The following is an entry in ClinVar:

NM_001793.6(CDH3):c.222del (p.Val75fs)

Gene: CDH3 (cadherin 3; plus strand). Cytogenetic location: 16q22.1.
Variant type: Deletion.
Coding change: c.222del on transcript NM_001793.6 (MANE Select); coding-DNA position 222, one base deleted (T; older notation c.222delT).
Protein change: p.Val75fs; shifts the reading frame from valine 75.
Molecular consequence: frameshift variant.
Genome position (GRCh38, 1-based): chr16:68,676,446, T deleted. VCF-style (leftmost placement, unchanged base first): chr16-68676445-CT-C. GRCh37 (hg19) VCF-style: chr16-68710348-CT-C.
Other names: c.222del, p.Val75fs (NM_001317195.3); c.57del, p.Val20fs (NM_001317196.2); short protein forms V75fs, V20fs.
Identifiers: ClinVar variation 2055956 (VCV002055956.4), dbSNP rs767009501, ClinGen allele CA8128953.

ClinVar aggregate classification (germline): Pathogenic (1 of 4 stars; one submission).

Allele frequency attached by ClinVar (database versions not stated): gnomAD exomes below 0.00001; TOPMed below 0.00001; ExAC 0.00001.

Submission:

Labcorp Genetics (formerly Invitae), Labcorp
Classification: Pathogenic. Last evaluated: 2022-11-29. Review status: criteria provided, single submitter. Criteria: Invitae Variant Classification Sherloc (09022015). Collection method: clinical testing. Allele origin: germline.
Comment: For these reasons, this variant has been classified as Pathogenic. This variant has not been reported in the literature in individuals affected with CDH3-related conditions. This variant is present in population databases (rs767009501, gnomAD 0.003%). This sequence change creates a premature translational stop signal (p.Val75Cysfs*13) in the CDH3 gene. It is expected to result in an absent or disrupted protein product. Loss-of-function variants in CDH3 are known to be pathogenic (PMID: 15805154, 27386845, 29620724).

Literature cited by the submitters: PubMed 15805154; PubMed 27386845; PubMed 29620724.